The following is an entry in ClinVar:

ClinVar aggregate classification (germline): Uncertain significance (1 of 4 stars; one submission).

Allele frequency attached by ClinVar (database versions not stated): gnomAD 0.00001 and 0.00002; gnomAD exomes 0.00001 and 0.00002; ExAC 0.00002; TOPMed 0.00002.
gnomAD v4.1: 30 of 1,602,858 alleles (0.0019%); highest among the groups gnomAD compares: Non-Finnish European, 0.0024%; no homozygotes.

Submission:

Labcorp Genetics (formerly Invitae), Labcorp
Classification: Uncertain significance. Last evaluated: 2024-06-26. Review status: criteria provided, single submitter. Criteria: Invitae Variant Classification Sherloc (09022015). Collection method: clinical testing. Allele origin: germline.
Comment: This sequence change falls in intron 5 of the NBAS gene. It does not directly change the encoded amino acid sequence of the NBAS protein. It affects a nucleotide within the consensus splice site. This variant is present in population databases (rs746544202, gnomAD 0.003%). This variant has not been reported in the literature in individuals affected with NBAS-related conditions. ClinVar contains an entry for this variant (Variation ID: 1357509). Variants that disrupt the consensus splice site are a relatively common cause of aberrant splicing (PMID: 17576681, 9536098). Algorithms developed to predict the effect of sequence changes on RNA splicing suggest that this variant is not likely to affect RNA splicing. In summary, the available evidence is currently insufficient to determine the role of this variant in disease. Therefore, it has been classified as a Variant of Uncertain Significance.

Literature cited by the submitters: PubMed 17576681; PubMed 9536098.

NM_015909.4(NBAS):c.335+6T>C

Gene: NBAS (NBAS subunit of NRZ tethering complex; minus strand). Cytogenetic location: 2p24.3.
Variant type: single nucleotide variant.
Coding change: c.335+6T>C on transcript NM_015909.4 (MANE Select); 6 bases into the intron after coding-DNA position 335, T replaced by C.
Molecular consequence: intron variant.
Genome position (GRCh38, 1-based): chr2:15,553,420, A>G on the plus strand (T>C on the coding strand, the complement: NBAS is on the minus strand). VCF-style: chr2-15553420-A-G. GRCh37 (hg19) VCF-style: chr2-15693544-A-G.
Identifiers: ClinVar variation 1357509 (VCV001357509.4), dbSNP rs746544202, ClinGen allele CA1537109.
Genomic context (GRCh38, chr2:15,553,420, plus strand): 5'-TTCCATTTATAGAGTAACAAATATTTCTCAAAGGAAATCTTGAATATGAATAATATTAAC[A>G]ATTACCTGATTTCCACACACTGATCTTGAACAGCAGCCAAAAGCTTTCCATTGCTTTTAT-3'